The following is an entry in ClinVar:

NM_000069.3(CACNA1S):c.2550+303A>G

Gene: CACNA1S (calcium voltage-gated channel subunit alpha1 S; minus strand). Cytogenetic location: 1q32.1.
Variant type: single nucleotide variant.
Coding change: c.2550+303A>G on transcript NM_000069.3 (MANE Select); 303 bases into the intron after coding-DNA position 2550, A replaced by G.
Molecular consequence: intron variant.
Genome position (GRCh38, 1-based): chr1:201,068,834, T>C on the plus strand (A>G on the coding strand, the complement: CACNA1S is on the minus strand). VCF-style: chr1-201068834-T-C. GRCh37 (hg19) VCF-style: chr1-201037962-T-C.
Identifiers: ClinVar variation 668055 (VCV000668055.1), dbSNP rs1272740, ClinGen allele CA10821659.
Genomic context (GRCh38, chr1:201,068,834, plus strand): 5'-AGGCAGGAGAATCGCTTGAACCTGGGAGGTGGAGGTTGCAGTGAGCTGAGATAGTGCCAT[T>C]GCACTCCAGCCTGGTGACAGAGTGAGACGACATCTAAAAAGAAAAAATAAAAAGAAAAAT-3'

ClinVar aggregate classification (germline): Benign (1 of 4 stars; one submission).

Allele frequency attached by ClinVar (database versions not stated): TOPMed 0.70564; 1000 Genomes Project 30x 0.71736; 1000 Genomes Project 0.72724; gnomAD 0.72885 and 0.73469.

Submission:

GeneDx
Classification: Benign. Last evaluated: 2018-06-18. Review status: criteria provided, single submitter. Criteria: GeneDx Variant Classification (06012015). Collection method: clinical testing. Allele origin: germline. Affected: yes.
Comment: This variant is considered likely benign or benign based on one or more of the following criteria: it is a conservative change, it occurs at a poorly conserved position in the protein, it is predicted to be benign by multiple in silico algorithms, and/or has population frequency not consistent with disease.